The following is an entry in ClinVar:

ClinVar aggregate classification (germline): Uncertain significance (1 of 4 stars; one submission).

Allele frequency attached by ClinVar (database versions not stated): TOPMed below 0.00001.
gnomAD v4.1: 4 of 1,613,780 alleles (0.00025%); highest among the groups gnomAD compares: Admixed American, 0.005%; no homozygotes.

Submission:

Labcorp Genetics (formerly Invitae), Labcorp
Classification: Uncertain significance. Last evaluated: 2024-10-16. Review status: criteria provided, single submitter. Criteria: Invitae Variant Classification Sherloc (09022015). Collection method: clinical testing. Allele origin: germline.
Comment: This sequence change replaces threonine, which is neutral and polar, with serine, which is neutral and polar, at codon 670 of the PLCE1 protein (p.Thr670Ser). This variant is present in population databases (no rsID available, gnomAD 0.003%). This variant has not been reported in the literature in individuals affected with PLCE1-related conditions. ClinVar contains an entry for this variant (Variation ID: 2071254). Invitae Evidence Modeling of protein sequence and biophysical properties (such as structural, functional, and spatial information, amino acid conservation, physicochemical variation, residue mobility, and thermodynamic stability) indicates that this missense variant is not expected to disrupt PLCE1 protein function with a negative predictive value of 80%. In summary, the available evidence is currently insufficient to determine the role of this variant in disease. Therefore, it has been classified as a Variant of Uncertain Significance.

NM_016341.4(PLCE1):c.2009C>G (p.Thr670Ser)

Gene: PLCE1 (phospholipase C epsilon 1; plus strand). Cytogenetic location: 10q23.33.
Variant type: single nucleotide variant.
Coding change: c.2009C>G on transcript NM_016341.4 (MANE Select); coding-DNA position 2009, C replaced by G.
Protein change: p.Thr670Ser; replaces threonine 670 with serine.
Molecular consequence: missense variant.
Genome position (GRCh38, 1-based): chr10:94,234,107, C>G. VCF-style: chr10-94234107-C-G. GRCh37 (hg19) VCF-style: chr10-95993864-C-G.
Other names: c.1085C>G, p.Thr362Ser (NM_001165979.2); c.2009C>G, p.Thr670Ser (NM_001288989.2); short protein forms T362S, T670S.
Identifiers: ClinVar variation 2071254 (VCV002071254.4), dbSNP rs1313577956, ClinGen allele CA377638925.